The following is an entry in ClinVar:

NM_182982.3(GRK4):c.1050C>T (p.Val350=)

Gene: GRK4 (G protein-coupled receptor kinase 4; plus strand). Cytogenetic location: 4p16.3.
Variant type: single nucleotide variant.
Coding change: c.1050C>T on transcript NM_182982.3 (MANE Select); coding-DNA position 1050, C replaced by T.
Protein change: p.Val350=; no amino-acid change (valine 350 retained).
Molecular consequence: synonymous variant.
Genome position (GRCh38, 1-based): chr4:3,027,991, C>T. VCF-style: chr4-3027991-C-T. GRCh37 (hg19) VCF-style: chr4-3029718-C-T.
Other names: c.954C>T, p.Val318= (NM_001004056.2, NM_005307.3); c.1050C>T, p.Val350= (NM_001004057.2); c.468C>T, p.Val156= (NM_001350173.2).
Identifiers: ClinVar variation 2654592 (VCV002654592.24), dbSNP rs561361379, ClinGen allele CA2822785.

ClinVar aggregate classification (germline): Likely benign (1 of 4 stars; one submission).

Allele frequency attached by ClinVar (database versions not stated): ExAC 0.00001; gnomAD exomes 0.00001; TOPMed 0.00001; gnomAD 0.00002.
gnomAD v4.1: 20 of 1,613,908 alleles (0.0012%); highest among the groups gnomAD compares: African/African-American, 0.012%; no homozygotes.

Submission:

CeGaT Center for Human Genetics Tuebingen
Classification: Likely benign. Last evaluated: 2022-10-01. Review status: criteria provided, single submitter. Criteria: CeGaT Center For Human Genetics Tuebingen Variant Classification Criteria Version 2. Collection method: clinical testing. Allele origin: germline. Affected: yes. Observed: 1 variant allele.
Comment: GRK4: BP4, BP7